The following is an entry in ClinVar:

ClinVar aggregate classification (germline): Pathogenic (1 of 4 stars; one submission).

Conditions:
LAMA2-related muscular dystrophy (LAMA2-RD). Also called: Laminin alpha 2-related dystrophy. Identifiers: MedGen C5679788, MONDO:0100228.

Submission:

Labcorp Genetics (formerly Invitae), Labcorp
Classification: Pathogenic for LAMA2-related muscular dystrophy. Last evaluated: 2022-05-21. Review status: criteria provided, single submitter. Criteria: Invitae Variant Classification Sherloc (09022015). Collection method: clinical testing. Allele origin: germline.
Comment: For these reasons, this variant has been classified as Pathogenic. Algorithms developed to predict the effect of sequence changes on RNA splicing suggest that this variant may disrupt the consensus splice site. This variant has not been reported in the literature in individuals affected with LAMA2-related conditions. This variant is not present in population databases (gnomAD no frequency). This sequence change creates a premature translational stop signal (p.Glu628Valfs*4) in the LAMA2 gene. It is expected to result in an absent or disrupted protein product. Loss-of-function variants in LAMA2 are known to be pathogenic (PMID: 18700894, 32904964).

Literature cited by the submitters: PubMed 18700894; PubMed 32904964.

NM_000426.4(LAMA2):c.1881_1884del (p.Glu628fs)

Gene: LAMA2 (laminin subunit alpha 2; plus strand). Cytogenetic location: 6q22.33.
Variant type: Deletion.
Coding change: c.1881_1884del on transcript NM_000426.4 (MANE Select); coding-DNA positions 1881 to 1884, 4 bases deleted (AGAG; older notation c.1881_1884delAGAG).
Protein change: p.Glu628fs; shifts the reading frame from glutamic acid 628.
Molecular consequence: frameshift variant.
Genome position (GRCh38, 1-based): chr6:129,250,210-129,250,213, AGAG deleted. VCF-style (leftmost placement, unchanged base first): chr6-129250209-TAGAG-T. GRCh37 (hg19) VCF-style: chr6-129571354-TAGAG-T.
Other names: c.1881_1884del, p.Glu628fs (NM_001079823.2); short protein forms E628fs.
Identifiers: ClinVar variation 1997742 (VCV001997742.4), dbSNP rs2482118846, ClinGen allele CA2580074893.